The following is an entry in ClinVar:

NM_001165963.4(SCN1A):c.905G>T (p.Gly302Val)

Gene: SCN1A (sodium voltage-gated channel alpha subunit 1; minus strand). Cytogenetic location: 2q24.3.
Variant type: single nucleotide variant.
Coding change: c.905G>T on transcript NM_001165963.4 (MANE Select); coding-DNA position 905, G replaced by T.
Protein change: p.Gly302Val; replaces glycine 302 with valine.
Molecular consequence: missense variant. On other transcripts: 5 prime UTR variant (1), non-coding transcript variant (1).
Genome position (GRCh38, 1-based): chr2:166,051,778, C>A on the plus strand (G>T on the coding strand, the complement: SCN1A is on the minus strand). VCF-style: chr2-166051778-C-A. GRCh37 (hg19) VCF-style: chr2-166908288-C-A.
Other names: c.905G>T, p.Gly302Val (NM_001165964.3, NM_001202435.3, NM_001353948.2 and 10 more transcripts); c.-1521G>T (NM_001353961.2); short protein forms G302V.
Identifiers: ClinVar variation 2694261 (VCV002694261.3), dbSNP rs2468221604, ClinGen allele CA349072678.

ClinVar aggregate classification (germline): Uncertain significance (1 of 4 stars; one submission).

Conditions:
Early-infantile DEE. Also called: Ohtahara syndrome; Early infantile epileptic encephalopathy with suppression bursts; Early infantile epileptic encephalopathy. Identifiers: Orphanet 1934, MedGen C0393706, MONDO:0800491.

Submission:

Labcorp Genetics (formerly Invitae), Labcorp
Classification: Uncertain significance for Early-infantile DEE. Last evaluated: 2023-11-08. Review status: criteria provided, single submitter. Criteria: Invitae Variant Classification Sherloc (09022015). Collection method: clinical testing. Allele origin: germline.
Comment: This sequence change replaces glycine, which is neutral and non-polar, with valine, which is neutral and non-polar, at codon 302 of the SCN1A protein (p.Gly302Val). This variant is not present in population databases (gnomAD no frequency). This variant has not been reported in the literature in individuals affected with SCN1A-related conditions. Advanced modeling of protein sequence and biophysical properties (such as structural, functional, and spatial information, amino acid conservation, physicochemical variation, residue mobility, and thermodynamic stability) has been performed at Invitae for this missense variant, however the output from this modeling did not meet the statistical confidence thresholds required to predict the impact of this variant on SCN1A protein function. In summary, the available evidence is currently insufficient to determine the role of this variant in disease. Therefore, it has been classified as a Variant of Uncertain Significance.